The following is an entry in ClinVar:

ClinVar aggregate classification (germline): Uncertain significance (1 of 4 stars; one submission).

Allele frequency attached by ClinVar (database versions not stated): TOPMed below 0.00001; gnomAD exomes below 0.00001.
gnomAD v4.1: 1 of 1,546,396 alleles (0.000065%); highest among the groups gnomAD compares: Admixed American, 0.002%; no homozygotes.

Submission:

Labcorp Genetics (formerly Invitae), Labcorp
Classification: Uncertain significance. Last evaluated: 2026-01-27. Review status: criteria provided, single submitter. Criteria: Invitae Variant Classification Sherloc (09022015). Collection method: clinical testing. Allele origin: germline.
Comment: This sequence change falls in intron 6 of the VAV1 gene. It does not directly change the encoded amino acid sequence of the VAV1 protein. It affects a nucleotide within the consensus splice site. The frequency data for this variant in the population databases is considered unreliable, as metrics indicate poor data quality at this position in the gnomAD database. This variant has not been reported in the literature in individuals affected with VAV1-related conditions. ClinVar contains an entry for this variant (Variation ID: 2993558). Variants that disrupt the consensus splice site are a relatively common cause of aberrant splicing (PMID: 17576681, 9536098). Algorithms developed to predict the effect of sequence changes on RNA splicing suggest that this variant is not likely to affect RNA splicing. In summary, the available evidence is currently insufficient to determine the role of this variant in disease. Therefore, it has been classified as a Variant of Uncertain Significance.

Literature cited by the submitters: PubMed 17576681; PubMed 9536098.

NM_005428.4(VAV1):c.654+4G>A

Gene: VAV1 (vav guanine nucleotide exchange factor 1; plus strand). Cytogenetic location: 19p13.3.
Variant type: single nucleotide variant.
Coding change: c.654+4G>A on transcript NM_005428.4 (MANE Select); 4 bases into the intron after coding-DNA position 654, G replaced by A.
Molecular consequence: intron variant.
Genome position (GRCh38, 1-based): chr19:6,822,518, G>A. VCF-style: chr19-6822518-G-A. GRCh37 (hg19) VCF-style: chr19-6822529-G-A.
Other names: c.654+4G>A (NM_001258206.2); c.558+189G>A (NM_001258207.2).
Identifiers: ClinVar variation 2993558 (VCV002993558.3), dbSNP rs1407704918, ClinGen allele CA505198946.